The following is an entry in ClinVar:

NM_015072.5(TTLL5):c.2159_2160delinsTT (p.Lys720Ile)

Gene: TTLL5 (tubulin tyrosine ligase like 5; plus strand). Cytogenetic location: 14q24.3.
Variant type: Indel.
Coding change: c.2159_2160delinsTT on transcript NM_015072.5 (MANE Select); coding-DNA positions 2159 to 2160, AG replaced by TT.
Protein change: p.Lys720Ile; replaces lysine 720 with isoleucine.
Molecular consequence: missense variant.
Genome position (GRCh38, 1-based): chr14:75,775,506-75,775,507, AG replaced by TT. VCF-style: chr14-75775506-AG-TT. GRCh37 (hg19) VCF-style: chr14-76241849-AG-TT.
Other names: short protein forms K720I.
Identifiers: ClinVar variation 1415049 (VCV001415049.5), dbSNP rs2140317201, ClinGen allele CA2573150214.

ClinVar aggregate classification (germline): Uncertain significance (1 of 4 stars; one submission).

Submission:

Labcorp Genetics (formerly Invitae), Labcorp
Classification: Uncertain significance. Last evaluated: 2022-04-01. Review status: criteria provided, single submitter. Criteria: Invitae Variant Classification Sherloc (09022015). Collection method: clinical testing. Allele origin: germline.
Comment: In summary, the available evidence is currently insufficient to determine the role of this variant in disease. Therefore, it has been classified as a Variant of Uncertain Significance. Algorithms developed to predict the effect of missense changes on protein structure and function are either unavailable or do not agree on the potential impact of this missense change (SIFT: "Not Available"; PolyPhen-2: "Probably Damaging"; Align-GVGD: "Not Available"). This variant has not been reported in the literature in individuals affected with TTLL5-related conditions. This variant is present in population databases (no rsID available, gnomAD 1.3%). This sequence change replaces lysine, which is basic and polar, with isoleucine, which is neutral and non-polar, at codon 720 of the TTLL5 protein (p.Lys720Ile).